The following is an entry in ClinVar:

ClinVar aggregate classification (germline): Uncertain significance. Review status: criteria provided, single submitter (1 of 4 stars). 2 submissions from 2 submitters: Uncertain significance (1). 1 of the submissions does not count toward it. Last evaluated 2025-06-23.

Conditions:
Autosomal recessive nonsyndromic hearing loss 124. Also called: DEAFNESS, AUTOSOMAL RECESSIVE 124. Identifiers: MedGen C5935612, MONDO:0968981, OMIM 620794.

Allele frequency attached by ClinVar (database versions not stated): ESP Exome Variant Server 0.00034.
gnomAD v4.1: 1,008 of 1,612,726 alleles (0.063%); highest among the groups gnomAD compares: Non-Finnish European, 0.082%; no homozygotes.

Submissions (2):

Dasa
Classification: Uncertain significance. Last evaluated: 2025-06-23. Review status: criteria provided, single submitter. Criteria: DASA Assertion Criteria. Collection method: clinical testing. Allele origin: germline.
Comment: NM_177531.6(PKHD1L1):c.3941G>T (p.Gly1314Val) is a missense variant that results in the substitution of glycine with valine. Functional evidence supports an impact on the gene or gene product (PMID: 38459354). Also, this variant is rare in population databases. Computational prediction algorithms are consistent with a deleterious effect. The currently available literature and clinical evidence are not sufficient to establish a definitive association between this variant and the reported condition. Therefore, this variant is classified as a variant of uncertain significance.

OMIM
Classification: Pathogenic for DEAFNESS, AUTOSOMAL RECESSIVE 124. Last evaluated: 2024-04-23. Review status: no assertion criteria provided. Collection method: literature only. Allele origin: germline. Not counted in ClinVar's aggregate classification.

Literature cited by the submitters: PubMed 38459354 (cited by Dasa and OMIM).

NM_177531.6(PKHD1L1):c.3941G>T (p.Gly1314Val)

Gene: PKHD1L1 (PKHD1 like 1; plus strand). Cytogenetic location: 8q23.1.
Variant type: single nucleotide variant.
Coding change: c.3941G>T on transcript NM_177531.6 (MANE Select); coding-DNA position 3941, G replaced by T.
Protein change: p.Gly1314Val; replaces glycine 1314 with valine.
Molecular consequence: missense variant.
Genome position (GRCh38, 1-based): chr8:109,439,077, G>T. VCF-style: chr8-109439077-G-T. GRCh37 (hg19) VCF-style: chr8-110451306-G-T.
Other names: G1314V.
Identifiers: ClinVar variation 3220943 (VCV003220943.3), dbSNP rs61745556, ClinGen allele CA4844835.